The following is an entry in ClinVar:

NM_001080467.3(MYO5B):c.3813C>A (p.Ala1271=)

Gene: MYO5B (myosin VB; minus strand). Cytogenetic location: 18q21.1.
Variant type: single nucleotide variant.
Coding change: c.3813C>A on transcript NM_001080467.3 (MANE Select); coding-DNA position 3813, C replaced by A.
Protein change: p.Ala1271=; no amino-acid change (alanine 1271 retained).
Molecular consequence: synonymous variant.
Genome position (GRCh38, 1-based): chr18:49,864,171, G>T on the plus strand (C>A on the coding strand, the complement: MYO5B is on the minus strand). VCF-style: chr18-49864171-G-T. GRCh37 (hg19) VCF-style: chr18-47390541-G-T.
Other names: c.3813C>A (NM_001080467.2).
Identifiers: ClinVar variation 1157514 (VCV001157514.10), dbSNP rs375771273, ClinGen allele CA8960586.

ClinVar aggregate classification (germline): Likely benign. Review status: criteria provided, multiple submitters, no conflicts (2 of 4 stars). 2 submissions from 2 submitters: Likely benign (2). Last evaluated 2025-12-16.

Conditions:
MYO5B-related disorder. Also called: MYO5B-related condition.

Allele frequency attached by ClinVar (database versions not stated): ESP Exome Variant Server 0.00008; ExAC 0.00003.
gnomAD v4.1: 32 of 1,611,296 alleles (0.002%); highest among the groups gnomAD compares: Non-Finnish European, 0.0025%; no homozygotes.

Submissions (2):

PreventionGenetics, part of Exact Sciences
Classification: Likely benign for MYO5B-related condition. Last evaluated: 2025-12-16. Review status: criteria provided, single submitter. Criteria: ACMG Guidelines, 2015. Collection method: clinical testing. Allele origin: germline.
Comment: This variant is classified as likely benign based on ACMG/AMP sequence variant interpretation guidelines (Richards et al. 2015 PMID: 25741868, with internal and published modifications).

Labcorp Genetics (formerly Invitae), Labcorp
Classification: Likely benign. Last evaluated: 2025-11-22. Review status: criteria provided, single submitter. Criteria: Invitae Variant Classification Sherloc (09022015). Collection method: clinical testing. Allele origin: germline.